The following is an entry in ClinVar:

ClinVar aggregate classification (germline): Uncertain significance. Review status: criteria provided, multiple submitters, no conflicts (2 of 4 stars). 2 submissions from 2 submitters: Uncertain significance (2). Last evaluated 2022-11-01.

Conditions:
Inborn genetic diseases. Identifiers: MedGen C0950123, MeSH D030342.

Allele frequency attached by ClinVar (database versions not stated): gnomAD exomes 0.00001; TOPMed 0.00002; gnomAD 0.00003; ESP Exome Variant Server 0.00008.
gnomAD v4.1: 18 of 1,611,196 alleles (0.0011%); highest among the groups gnomAD compares: Non-Finnish European, 0.0015%; no homozygotes.

Submissions (2):

Ambry Genetics
Classification: Uncertain significance for Inborn genetic diseases. Last evaluated: 2022-11-01. Review status: criteria provided, single submitter. Criteria: Ambry Variant Classification Scheme 2023. Collection method: clinical testing. Allele origin: germline.

Labcorp Genetics (formerly Invitae), Labcorp
Classification: Uncertain significance. Last evaluated: 2022-08-16. Review status: criteria provided, single submitter. Criteria: Invitae Variant Classification Sherloc (09022015). Collection method: clinical testing. Allele origin: germline.
Comment: This sequence change replaces threonine, which is neutral and polar, with asparagine, which is neutral and polar, at codon 2359 of the NBAS protein (p.Thr2359Asn). This variant is present in population databases (rs376484930, gnomAD 0.003%). This variant has not been reported in the literature in individuals affected with NBAS-related conditions. ClinVar contains an entry for this variant (Variation ID: 1378323). Algorithms developed to predict the effect of missense changes on protein structure and function (SIFT, PolyPhen-2, Align-GVGD) all suggest that this variant is likely to be disruptive. In summary, the available evidence is currently insufficient to determine the role of this variant in disease. Therefore, it has been classified as a Variant of Uncertain Significance.

NM_015909.4(NBAS):c.7076C>A (p.Thr2359Asn)

Gene: NBAS (NBAS subunit of NRZ tethering complex; minus strand). Cytogenetic location: 2p24.3.
Variant type: single nucleotide variant.
Coding change: c.7076C>A on transcript NM_015909.4 (MANE Select); coding-DNA position 7076, C replaced by A.
Protein change: p.Thr2359Asn; replaces threonine 2359 with asparagine.
Molecular consequence: missense variant. On other transcripts: non-coding transcript variant (1).
Genome position (GRCh38, 1-based): chr2:15,167,088, G>T on the plus strand (C>A on the coding strand, the complement: NBAS is on the minus strand). VCF-style: chr2-15167088-G-T. GRCh37 (hg19) VCF-style: chr2-15307212-G-T.
Other names: c.7076C>A (NM_015909.2); short protein forms T2359N.
Identifiers: ClinVar variation 1378323 (VCV001378323.4), dbSNP rs376484930, ClinGen allele CA1534778.